The following is an entry in ClinVar:

ClinVar aggregate classification (germline): Uncertain significance. Review status: criteria provided, multiple submitters, no conflicts (2 of 4 stars). 2 submissions from 2 submitters: Uncertain significance (2). Last evaluated 2024-03-29.

Conditions:
Microvascular complications of diabetes, susceptibility to, 3. Identifiers: MedGen C2675470, MONDO:0012963, OMIM 612624.
Hemorrhage, intracerebral, susceptibility to (ICH). Also called: Stroke, hemorrhagic, susceptibility to. Identifiers: MedGen C3281105, MONDO:0100533, OMIM 614519.
Renal tubular dysgenesis of genetic origin. Also called: PRIMITIVE RENAL TUBULE SYNDROME. Identifiers: Orphanet 97369, MedGen C5681536, MONDO:0009970, OMIM 267430.

Submissions (2):

Fulgent Genetics
Classification: Uncertain significance for Renal tubular dysgenesis of genetic origin; Microvascular complications of diabetes, susceptibility to, 3; Hemorrhage, intracerebral, susceptibility to. Last evaluated: 2024-03-29. Review status: criteria provided, single submitter. Criteria: ACMG Guidelines, 2015. Collection method: clinical testing. Allele origin: germline.

Labcorp Genetics (formerly Invitae), Labcorp
Classification: Uncertain significance. Last evaluated: 2022-05-12. Review status: criteria provided, single submitter. Criteria: Invitae Variant Classification Sherloc (09022015). Collection method: clinical testing. Allele origin: germline.
Comment: This sequence change replaces arginine, which is basic and polar, with histidine, which is basic and polar, at codon 482 of the ACE protein (p.Arg482His). This variant is present in population databases (rs757694144, gnomAD 0.02%). This variant has not been reported in the literature in individuals affected with ACE-related conditions. Algorithms developed to predict the effect of missense changes on protein structure and function output the following: SIFT: "Deleterious"; PolyPhen-2: "Benign"; Align-GVGD: "Class C25". The histidine amino acid residue is found in multiple mammalian species, which suggests that this missense change does not adversely affect protein function. In summary, the available evidence is currently insufficient to determine the role of this variant in disease. Therefore, it has been classified as a Variant of Uncertain Significance.

NM_000789.4(ACE):c.1445G>A (p.Arg482His)

Gene: ACE (angiotensin I converting enzyme; plus strand). Cytogenetic location: 17q23.3.
Variant type: single nucleotide variant.
Coding change: c.1445G>A on transcript NM_000789.4 (MANE Select); coding-DNA position 1445, G replaced by A.
Protein change: p.Arg482His; replaces arginine 482 with histidine.
Molecular consequence: missense variant.
Genome position (GRCh38, 1-based): chr17:63,483,131, G>A. VCF-style: chr17-63483131-G-A. GRCh37 (hg19) VCF-style: chr17-61560492-G-A.
Other names: c.878G>A, p.Arg293His (NM_001382700.1); c.593G>A, p.Arg198His (NM_001382701.1); short protein forms R198H, R293H, R482H.
Identifiers: ClinVar variation 1923741 (VCV001923741.4), dbSNP rs757694144, ClinGen allele CA8699533.